The following is an entry in ClinVar:

NM_078480.3(PUF60):c.714dup (p.Asp239fs)

Gene: PUF60 (poly(U) binding splicing factor 60; minus strand). Cytogenetic location: 8q24.3.
Variant type: Duplication.
Coding change: c.714dup on transcript NM_078480.3 (MANE Select); coding-DNA position 714, one base duplicated (A; older notation c.714dupA).
Protein change: p.Asp239fs; shifts the reading frame from aspartic acid 239.
Molecular consequence: frameshift variant.
Genome position (GRCh38, 1-based): chr8:143,817,965, T duplicated on the plus strand (A on the coding strand, the reverse complement: PUF60 is on the minus strand). VCF-style (leftmost placement, unchanged base first): chr8-143817964-C-CT. GRCh37 (hg19) VCF-style: chr8-144900134-C-CT.
Other names: c.585dup, p.Asp196fs (NM_001136033.3); c.660dup, p.Asp221fs (NM_001271096.2); c.576dup, p.Asp193fs (NM_001271097.2); c.711dup, p.Asp238fs (NM_001271098.2); c.627dup, p.Asp210fs (NM_001271099.2); c.534dup, p.Asp179fs (NM_001271100.2); c.825dup, p.Asp276fs (NM_001362895.2, NM_001362896.2); c.774dup, p.Asp259fs (NM_001362897.2); and 1 more; short protein forms D222fs, D239fs, D259fs, D193fs, D196fs, D221fs, D210fs, D238fs.
Identifiers: ClinVar variation 1402726 (VCV001402726.6), dbSNP rs2130246296, ClinGen allele CA2573142974.

ClinVar aggregate classification (germline): Pathogenic (1 of 4 stars; one submission).

Submission:

Labcorp Genetics (formerly Invitae), Labcorp
Classification: Pathogenic. Last evaluated: 2021-04-25. Review status: criteria provided, single submitter. Criteria: Invitae Variant Classification Sherloc (09022015). Collection method: clinical testing. Allele origin: germline.
Comment: This sequence change creates a premature translational stop signal (p.Asp239Argfs*3) in the PUF60 gene. It is expected to result in an absent or disrupted protein product. Loss-of-function variants in PUF60 are known to be pathogenic (PMID: 27804958, 28327570). For these reasons, this variant has been classified as Pathogenic. This variant has not been reported in the literature in individuals with PUF60-related conditions. This variant is not present in population databases (ExAC no frequency).

Literature cited by the submitters: PubMed 27804958; PubMed 28327570.